The following is an entry in ClinVar:

NM_002691.4(POLD1):c.689G>T (p.Gly230Val)

Gene: POLD1 (DNA polymerase delta 1, catalytic subunit; plus strand). Cytogenetic location: 19q13.33.
Variant type: single nucleotide variant.
Coding change: c.689G>T on transcript NM_002691.4 (MANE Select); coding-DNA position 689, G replaced by T.
Protein change: p.Gly230Val; replaces glycine 230 with valine.
Molecular consequence: missense variant. On other transcripts: non-coding transcript variant (1).
Genome position (GRCh38, 1-based): chr19:50,402,304, G>T. VCF-style: chr19-50402304-G-T. GRCh37 (hg19) VCF-style: chr19-50905561-G-T.
Other names: c.689G>T, p.Gly230Val (NM_001256849.1, NM_001308632.1, NM_001438210.1 and 3 more transcripts); short protein forms G230V.
Identifiers: ClinVar variation 4742315 (VCV004742315.1).

ClinVar aggregate classification (germline): Uncertain significance (1 of 4 stars; one submission).

Conditions:
POLD1-related polyposis and colorectal cancer syndrome (CRCS10). Also called: COLORECTAL CANCER, SUSCEPTIBILITY TO, ON CHROMOSOME 19q; Colorectal cancer 10; Colorectal cancer, susceptibility to, 10. Identifiers: Orphanet 220460, MedGen C2675481, MONDO:0012953, OMIM 612591.

Submission:

Labcorp Genetics (formerly Invitae), Labcorp
Classification: Uncertain significance for POLD1-related polyposis and colorectal cancer syndrome. Last evaluated: 2025-12-10. Review status: criteria provided, single submitter. Criteria: Invitae Variant Classification Sherloc (09022015). Collection method: clinical testing. Allele origin: germline.
Comment: This sequence change replaces glycine, which is neutral and non-polar, with valine, which is neutral and non-polar, at codon 230 of the POLD1 protein (p.Gly230Val). This variant is not present in population databases (gnomAD no frequency). This variant has not been reported in the literature in individuals affected with POLD1-related conditions. Invitae Evidence Modeling of protein sequence and biophysical properties (such as structural, functional, and spatial information, amino acid conservation, physicochemical variation, residue mobility, and thermodynamic stability) indicates that this missense variant is not expected to disrupt POLD1 protein function with a negative predictive value of 80%. In summary, the available evidence is currently insufficient to determine the role of this variant in disease. Therefore, it has been classified as a Variant of Uncertain Significance.